The following is an entry in ClinVar:

ClinVar aggregate classification (germline): Conflicting classifications of pathogenicity. Review status: criteria provided, conflicting classifications (1 of 4 stars). 2 submissions from 2 submitters: Uncertain significance (1); Likely benign (1). Last evaluated 2024-09-25.

Allele frequency attached by ClinVar (database versions not stated): TOPMed 0.00002; gnomAD 0.00003; gnomAD exomes 0.00007; ExAC 0.00039.
gnomAD v4.1: 119 of 1,604,528 alleles (0.0074%); highest among the groups gnomAD compares: Non-Finnish European, 0.0069%; 1 homozygote.

Submissions (2):

Blueprint Genetics
Classification: Likely benign. Last evaluated: 2024-09-25. Review status: criteria provided, single submitter. Criteria: ACMG Guidelines, 2015. Collection method: clinical testing. Allele origin: germline.

Labcorp Genetics (formerly Invitae), Labcorp
Classification: Uncertain significance. Last evaluated: 2022-06-18. Review status: criteria provided, single submitter. Criteria: Invitae Variant Classification Sherloc (09022015). Collection method: clinical testing. Allele origin: germline.
Comment: This variant is present in population databases (rs762919499, gnomAD 0.03%). This sequence change falls in intron 25 of the CPLANE1 gene. It does not directly change the encoded amino acid sequence of the CPLANE1 protein. It affects a nucleotide within the consensus splice site. This variant has not been reported in the literature in individuals affected with CPLANE1-related conditions. Variants that disrupt the consensus splice site are a relatively common cause of aberrant splicing (PMID: 17576681, 9536098). Algorithms developed to predict the effect of sequence changes on RNA splicing suggest that this variant may disrupt the consensus splice site. In summary, the available evidence is currently insufficient to determine the role of this variant in disease. Therefore, it has been classified as a Variant of Uncertain Significance.

Literature cited by the submitters: PubMed 17576681 (cited by Labcorp Genetics (formerly Invitae), Labcorp); PubMed 9536098 (cited by Labcorp Genetics (formerly Invitae), Labcorp).

NM_001384732.1(CPLANE1):c.4481+6A>G

Gene: CPLANE1 (ciliogenesis and planar polarity effector complex subunit 1; minus strand). Cytogenetic location: 5p13.2.
Variant type: single nucleotide variant.
Coding change: c.4481+6A>G on transcript NM_001384732.1 (MANE Select); 6 bases into the intron after coding-DNA position 4481, A replaced by G.
Molecular consequence: intron variant.
Genome position (GRCh38, 1-based): chr5:37,184,782, T>C on the plus strand (A>G on the coding strand, the complement: CPLANE1 is on the minus strand). VCF-style: chr5-37184782-T-C. GRCh37 (hg19) VCF-style: chr5-37184884-T-C.
Other names: c.4481+6A>G (NM_023073.4).
Identifiers: ClinVar variation 2041692 (VCV002041692.4), dbSNP rs762919499, ClinGen allele CA3238697.